The following is an entry in ClinVar:

ClinVar aggregate classification (germline): Pathogenic (1 of 4 stars; one submission).

Conditions:
Juvenile polyposis/hereditary hemorrhagic telangiectasia syndrome (JPHT). Also called: JP/HHT SYNDROME; JUVENILE POLYPOSIS WITH HEREDITARY HEMORRHAGIC TELANGIECTASIA; POLYPOSIS, GENERALIZED JUVENILE, WITH PULMONARY ARTERIOVENOUS MALFORMATION; TELANGIECTASIA, HEREDITARY HEMORRHAGIC, WITH JUVENILE POLYPOSIS COLI; Juvenile Polyposis Syndrome / Hereditary Hemorrhagic Telangiectasia (JPS/HHT). Identifiers: Orphanet 2929, MedGen C1832942, MONDO:0008278, OMIM 175050.

Submission:

Myriad Genetics, Inc.
Classification: Pathogenic for Juvenile polyposis/hereditary hemorrhagic telangiectasia syndrome. Last evaluated: 2023-01-17. Review status: criteria provided, single submitter. Criteria: Myriad Autosomal Dominant, Autosomal Recessive and X-Linked Classification Criteria (2023). Collection method: clinical testing. Allele origin: unknown.
Comment: This variant is considered pathogenic. This variant creates a frameshift predicted to result in premature protein truncation.

NM_005359.6(SMAD4):c.513_514del (p.Leu172fs)

Gene: SMAD4 (SMAD family member 4; plus strand). Cytogenetic location: 18q21.2.
Variant type: Deletion.
Coding change: c.513_514del on transcript NM_005359.6 (MANE Select); coding-DNA positions 513 to 514, 2 bases deleted (GT; older notation c.513_514delGT).
Protein change: p.Leu172fs; shifts the reading frame from leucine 172.
Molecular consequence: frameshift variant.
Genome position (GRCh38, 1-based): chr18:51,054,839-51,054,840, GT deleted. VCF-style (leftmost placement, unchanged base first): chr18-51054838-CGT-C. GRCh37 (hg19) VCF-style: chr18-48581208-CGT-C.
Other names: c.513_514delGT, p.Leu172Valfs (NM_001407041.1, NM_001407042.1, NM_001407043.1); short protein forms L172fs.
Identifiers: ClinVar variation 2431333 (VCV002431333.1), dbSNP rs2511374416, ClinGen allele CA2580095892.